The following is an entry in ClinVar:

NM_000548.5(TSC2):c.2362A>G (p.Met788Val)

Gene: TSC2 (TSC complex subunit 2; plus strand). Cytogenetic location: 16p13.3.
Variant type: single nucleotide variant.
Coding change: c.2362A>G on transcript NM_000548.5 (MANE Select); coding-DNA position 2362, A replaced by G.
Protein change: p.Met788Val; replaces methionine 788 with valine.
Molecular consequence: missense variant. On other transcripts: non-coding transcript variant (5).
Genome position (GRCh38, 1-based): chr16:2,074,206, A>G. VCF-style: chr16-2074206-A-G. GRCh37 (hg19) VCF-style: chr16-2124207-A-G.
Other names: c.2251A>G, p.Met751Val (NM_001406678.1, NM_001318827.2, NM_001406670.1); c.1018A>G, p.Met340Val (NM_001406694.1, NM_001406695.1, NM_001406696.1 and 6 more transcripts); c.760A>G, p.Met254Val (NM_001406698.1); c.2362A>G, p.Met788Val (NM_021055.3, NM_001077183.3, NM_001114382.3 and 6 more transcripts); c.1762A>G, p.Met588Val (NM_001406683.1, NM_001406684.1, NM_001406685.1 and 6 more transcripts); c.2215A>G, p.Met739Val (NM_001406679.1, NM_001318829.2, NM_001406675.1 and 1 more transcripts); c.1900A>G, p.Met634Val (NM_001406681.1); c.2395A>G, p.Met799Val (NM_001318832.2); and 3 more; short protein forms M254V, M340V, M588V, M634V, M739V, M751V, M769V, M784V.
Identifiers: ClinVar variation 3386168 (VCV003386168.2).

ClinVar aggregate classification (germline): Uncertain significance. Review status: criteria provided, multiple submitters, no conflicts (2 of 4 stars). 2 submissions from 2 submitters: Uncertain significance (2). Last evaluated 2025-02-08.

Conditions:
Hereditary cancer-predisposing syndrome. Also called: Hereditary Cancer Syndrome; Hereditary neoplastic syndrome; Neoplastic Syndromes, Hereditary; Tumor predisposition. Identifiers: Orphanet 140162, MedGen C0027672, MeSH D009386, MONDO:0015356.
Tuberous sclerosis syndrome (TSC). Also called: Tuberous Sclerosis Complex; Tuberous sclerosis. Identifiers: Orphanet 805, MedGen C0041341, MONDO:0001734.

gnomAD v4.1: 1 of 1,611,234 alleles (0.000062%); highest among the groups gnomAD compares: African/African-American, 0.0013%; no homozygotes.

Submissions (2):

Ambry Genetics
Classification: Uncertain significance for Hereditary cancer-predisposing syndrome. Last evaluated: 2025-02-08. Review status: criteria provided, single submitter. Criteria: Ambry Variant Classification Scheme 2023. Collection method: clinical testing. Allele origin: germline.
Comment: The p.M788V variant (also known as c.2362A>G), located in coding exon 21 of the TSC2 gene, results from an A to G substitution at nucleotide position 2362. The methionine at codon 788 is replaced by valine, an amino acid with highly similar properties. This amino acid position is conserved. In addition, the in silico prediction for this alteration is inconclusive. Based on the available evidence, the clinical significance of this variant remains unclear.

All of Us Research Program, National Institutes of Health
Classification: Uncertain significance for Tuberous sclerosis syndrome. Last evaluated: 2024-04-25. Review status: criteria provided, single submitter. Criteria: ACMG Guidelines, 2015. Collection method: clinical testing. Allele origin: germline. Inheritance: Autosomal dominant inheritance. Observed: 1 variant allele, 1 heterozygote.
Comment: This missense variant replaces methionine with valine at codon 788 of the TSC2 protein. Computational prediction suggests that this variant may not impact protein structure and function (internally defined REVEL score threshold <= 0.5, PMID: 27666373). To our knowledge, functional studies have not been reported for this variant. This variant has not been reported in individuals affected with TSC2-related disorders in the literature. This variant has not been identified in the general population by the Genome Aggregation Database (gnomAD). The available evidence is insufficient to determine the role of this variant in disease conclusively. Therefore, this variant is classified as a Variant of Uncertain Significance.

This study involves interpretation of variants in research participants for the purpose of population health screening. Participant phenotype was not available at the time of variant classification. Additional details can be found in publication PMID: 35346344, PMCID: PMC8962531